The following is an entry in ClinVar:

ClinVar aggregate classification (germline): Likely pathogenic (1 of 4 stars; one submission).

Conditions:
STX3-related disorder. Also called: STX3-related condition.

Submission:

PreventionGenetics, part of Exact Sciences
Classification: Likely pathogenic for STX3-related condition. Last evaluated: 2026-04-01. Review status: criteria provided, single submitter. Criteria: ACMG Guidelines, 2015. Collection method: clinical testing. Allele origin: germline.
Comment: The STX3 c.235C>T variant is predicted to result in premature protein termination (p.Gln79*). To our knowledge, this variant has not been reported in the literature or in a large population database (gnomAD), indicating this variant is rare. Nonsense variants in STX3 are expected to be pathogenic. This variant is interpreted as likely pathogenic.

NM_004177.5(STX3):c.235C>T (p.Gln79Ter)

Gene: STX3 (syntaxin 3; plus strand). Cytogenetic location: 11q12.1.
Variant type: single nucleotide variant.
Coding change: c.235C>T on transcript NM_004177.5 (MANE Select); coding-DNA position 235, C replaced by T.
Protein change: p.Gln79Ter; replaces glutamine 79 with a stop codon.
Molecular consequence: nonsense.
Genome position (GRCh38, 1-based): chr11:59,788,893, C>T. VCF-style: chr11-59788893-C-T. GRCh37 (hg19) VCF-style: chr11-59556366-C-T.
Other names: c.235C>T, p.Gln79Ter (NM_001178040.3, NM_001440522.1, NM_001440523.1 and 7 more transcripts); c.229C>T, p.Gln77Ter (NM_001440528.1); short protein forms Q77*, Q79*.
Identifiers: ClinVar variation 4996006 (VCV004996006.1).